The following is an entry in ClinVar:

NM_016239.4(MYO15A):c.3848C>T (p.Ala1283Val)

Gene: MYO15A (myosin XVA; plus strand). Cytogenetic location: 17p11.2.
Variant type: single nucleotide variant.
Coding change: c.3848C>T on transcript NM_016239.4 (MANE Select); coding-DNA position 3848, C replaced by T.
Protein change: p.Ala1283Val; replaces alanine 1283 with valine.
Molecular consequence: missense variant.
Genome position (GRCh38, 1-based): chr17:18,126,438, C>T. VCF-style: chr17-18126438-C-T. GRCh37 (hg19) VCF-style: chr17-18029752-C-T.
Other names: c.3848C>T (NM_016239.3); short protein forms A1283V.
Identifiers: ClinVar variation 1396301 (VCV001396301.6), dbSNP rs2046042707, ClinGen allele CA398590464.

ClinVar aggregate classification (germline): Uncertain significance. Review status: criteria provided, multiple submitters, no conflicts (2 of 4 stars). 3 submissions from 3 submitters: Uncertain significance (3). Last evaluated 2025-05-13.

Conditions:
Autosomal recessive nonsyndromic hearing loss 3. Also called: NEUROSENSORY NONSYNDROMIC RECESSIVE DEAFNESS 3. Identifiers: Orphanet 90636, MedGen C1838263, MONDO:0010860, OMIM 600316.

Allele frequency attached by ClinVar (database versions not stated): gnomAD exomes below 0.00001; TOPMed below 0.00001.
gnomAD v4.1: 6 of 1,613,876 alleles (0.00037%); highest among the groups gnomAD compares: Admixed American, 0.0017%; no homozygotes.

Submissions (3):

Revvity Omics, Revvity
Classification: Uncertain significance for Autosomal recessive nonsyndromic hearing loss 3. Last evaluated: 2025-05-13. Review status: criteria provided, single submitter. Criteria: ACMG Guidelines, 2015. Collection method: clinical testing. Allele origin: germline.

GeneDx
Classification: Uncertain significance. Last evaluated: 2025-03-14. Review status: criteria provided, single submitter. Criteria: GeneDx Variant Classification Process June 2021. Collection method: clinical testing. Allele origin: germline. Affected: yes.
Comment: Not observed at significant frequency in large population cohorts (gnomAD); In silico analysis indicates that this missense variant does not alter protein structure/function; Has not been previously published as pathogenic or benign to our knowledge

Labcorp Genetics (formerly Invitae), Labcorp
Classification: Uncertain significance. Last evaluated: 2022-07-05. Review status: criteria provided, single submitter. Criteria: Invitae Variant Classification Sherloc (09022015). Collection method: clinical testing. Allele origin: germline.
Comment: In summary, the available evidence is currently insufficient to determine the role of this variant in disease. Therefore, it has been classified as a Variant of Uncertain Significance. Advanced modeling of protein sequence and biophysical properties (such as structural, functional, and spatial information, amino acid conservation, physicochemical variation, residue mobility, and thermodynamic stability) performed at Invitae indicates that this missense variant is not expected to disrupt MYO15A protein function. ClinVar contains an entry for this variant (Variation ID: 1396301). This variant has not been reported in the literature in individuals affected with MYO15A-related conditions. This variant is not present in population databases (gnomAD no frequency). This sequence change replaces alanine, which is neutral and non-polar, with valine, which is neutral and non-polar, at codon 1283 of the MYO15A protein (p.Ala1283Val).